The following is an entry in ClinVar:

NM_006516.4(SLC2A1):c.-41C>T

Gene: SLC2A1 (solute carrier family 2 member 1; minus strand). Cytogenetic location: 1p34.2.
Variant type: single nucleotide variant.
Coding change: c.-41C>T on transcript NM_006516.4 (MANE Select); 41 bases upstream of the start codon, C replaced by T.
Molecular consequence: 5 prime UTR variant.
Genome position (GRCh38, 1-based): chr1:42,958,692, G>A on the plus strand (C>T on the coding strand, the complement: SLC2A1 is on the minus strand). VCF-style: chr1-42958692-G-A. GRCh37 (hg19) VCF-style: chr1-43424363-G-A.
Identifiers: ClinVar variation 378601 (VCV000378601.1), dbSNP rs908367337, ClinGen allele CA16603646.

ClinVar aggregate classification (germline): Likely benign (1 of 4 stars; one submission).

Allele frequency attached by ClinVar (database versions not stated): gnomAD exomes 0.00001; gnomAD 0.00012; 1000 Genomes Project 30x 0.00016; TOPMed 0.00022.
gnomAD v4.1: 29 of 1,532,240 alleles (0.0019%); highest among the groups gnomAD compares: African/African-American, 0.035%; no homozygotes.

Submission:

GeneDx
Classification: Likely benign. Last evaluated: 2016-03-23. Review status: criteria provided, single submitter. Criteria: GeneDx Variant Classification (06012015). Collection method: clinical testing. Allele origin: germline. Affected: yes.
Comment: This variant is considered likely benign or benign based on one or more of the following criteria: it is a conservative change, it occurs at a poorly conserved position in the protein, it is predicted to be benign by multiple in silico algorithms, and/or has population frequency not consistent with disease.